The following is an entry in ClinVar:

ClinVar aggregate classification (germline): Pathogenic (1 of 4 stars; one submission).

Submission:

GeneDx
Classification: Pathogenic. Last evaluated: 2016-12-23. Review status: criteria provided, single submitter. Criteria: GeneDx Variant Classification (06012015). Collection method: clinical testing. Allele origin: germline. Affected: yes.
Comment: The D343V variant in the SCN2A gene has not been reported previously as a pathogenic variant nor as a benign variant, to our knowledge. The D343V variant was not observed in approximately 6500 individuals of European and African American ancestry in the NHLBI Exome Sequencing Project, indicating it is not a common benign variant in these populations. The D343V variant is a non-conservative amino acid substitution, which is likely to impact secondary protein structure as these residues differ in polarity, charge, size and/or other properties. This substitution is predicted to be within the pore forming loop between the S5 and S6 transmembrane segments of the first homologous domain, at a position that is conserved in mammals. In silico analysis predicts this variant is probably damaging to the protein structure/function. We interpret D343V as a pathogenic variant.

NM_001040142.2(SCN2A):c.1028A>T (p.Asp343Val)

Gene: SCN2A (sodium voltage-gated channel alpha subunit 2; plus strand). Cytogenetic location: 2q24.3.
Variant type: single nucleotide variant.
Coding change: c.1028A>T on transcript NM_001040142.2 (MANE Select); coding-DNA position 1028, A replaced by T.
Protein change: p.Asp343Val; replaces aspartic acid 343 with valine.
Molecular consequence: missense variant.
Genome position (GRCh38, 1-based): chr2:165,312,082, A>T. VCF-style: chr2-165312082-A-T. GRCh37 (hg19) VCF-style: chr2-166168592-A-T.
Other names: c.1028A>T, p.Asp343Val (NM_001040143.2, NM_001371246.1, NM_001371247.1 and 1 more transcripts); short protein forms D343V.
Identifiers: ClinVar variation 391613 (VCV000391613.2), dbSNP rs1057524164, ClinGen allele CA16603896.